The following is an entry in ClinVar:

ClinVar aggregate classification (germline): Benign. Review status: criteria provided, multiple submitters, no conflicts (2 of 4 stars). 5 submissions from 5 submitters: Benign (5). Last evaluated 2026-02-04.

Conditions:
Autosomal recessive congenital ichthyosis 5 (ARCI5). Also called: Ichthyosis, nonlamellar and nonerythrodermic, congenital, autosomal recessive; ICHTHYOSIS CONGENITA III. Identifiers: Orphanet 313, MedGen C1858133, MONDO:0011485, OMIM 604777.

Allele frequency attached by ClinVar (database versions not stated): ESP Exome Variant Server 0.09303; ExAC 0.09624; gnomAD 0.09265 and 0.09289; 1000 Genomes Project 0.08247; 1000 Genomes Project 30x 0.08042; TOPMed 0.08892; gnomAD exomes 0.09603 and 0.11068.
gnomAD v4.1: 176,018 of 1,613,962 alleles (11%); highest among the groups gnomAD compares: Middle Eastern, 13%; 10,055 homozygotes.

Submissions (5):

Labcorp Genetics (formerly Invitae), Labcorp
Classification: Benign. Last evaluated: 2026-02-04. Review status: criteria provided, single submitter. Criteria: Invitae Variant Classification Sherloc (09022015). Collection method: clinical testing. Allele origin: germline.

Illumina Laboratory Services, Illumina
Classification: Benign for Autosomal recessive congenital ichthyosis 5. Last evaluated: 2018-01-13. Review status: criteria provided, single submitter. Criteria: ICSL Variant Classification Criteria 13 December 2019. Collection method: clinical testing. Allele origin: germline.
Comment: This variant was observed in the ICSL laboratory as part of a predisposition screen in an ostensibly healthy population. It had not been previously curated by ICSL or reported in the Human Gene Mutation Database (HGMD: prior to June 1st, 2018), and was therefore a candidate for classification through an automated scoring system. Utilizing variant allele frequency, disease prevalence and penetrance estimates, and inheritance mode, an automated score was calculated to assess if this variant is too frequent to cause the disease. Based on the score and internal cut-off values, a variant classified as benign is not then subjected to further curation. The score for this variant resulted in a classification of benign for this disease.

GeneDx
Classification: Benign. Last evaluated: 2015-03-03. Review status: criteria provided, single submitter. Criteria: GeneDx Variant Classification Process June 2021. Collection method: clinical testing. Allele origin: germline. Affected: yes.

Breakthrough Genomics
Classification: Benign. Review status: criteria provided, single submitter. Criteria: ACMG Guidelines, 2015. Collection method: not provided. Allele origin: germline. Inheritance: Autosomal recessive inheritance. Affected: yes.

PreventionGenetics, part of Exact Sciences
Classification: Benign. Review status: criteria provided, single submitter. Criteria: ACMG Guidelines, 2015. Collection method: clinical testing. Allele origin: germline.

NM_173483.4(CYP4F22):c.582G>A (p.Ala194=)

Gene: CYP4F22 (cytochrome P450 family 4 subfamily F member 22; plus strand). Cytogenetic location: 19p13.12.
Variant type: single nucleotide variant.
Coding change: c.582G>A on transcript NM_173483.4 (MANE Select); coding-DNA position 582, G replaced by A.
Protein change: p.Ala194=; no amino-acid change (alanine 194 retained).
Molecular consequence: synonymous variant.
Genome position (GRCh38, 1-based): chr19:15,537,904, G>A. VCF-style: chr19-15537904-G-A. GRCh37 (hg19) VCF-style: chr19-15648715-G-A.
Identifiers: ClinVar variation 262835 (VCV000262835.15), dbSNP rs11666601, ClinGen allele CA9269637.
Genomic context (GRCh38, chr19:15,537,904, plus strand): 5'-GCACAGTCACCATGTATCTCTCTTCCAGGCTAAATGGCGGCATCTGGCAGAGGGCTCAGC[G>A]GTCTCCCTTGATATGTTTGAGCATATCAGCCTCATGACCCTGGACAGTCTTCAGAAATGT-3'
Protein context (NP_775754.2, residues 184-204): AKWRHLAEGS[Ala194=]VSLDMFEHIS